The following is an entry in ClinVar:

Conditions:
Breast-ovarian cancer, familial, susceptibility to, 1 (BROVCA1). Also called: BRCA1 Hereditary Breast and Ovarian Cancer; OVARIAN CANCER, SUSCEPTIBILITY TO. Identifiers: Orphanet 145, MedGen C2676676, MONDO:0011450, OMIM 604370. Disease mechanism: loss of function.

Submission:

Brotman Baty Institute, University of Washington
No classification provided (evidence only). Condition: Breast-ovarian cancer, familial 1. Review status: no classification provided. Collection method: in vitro. Allele origin: not applicable. Functional consequence: functionally_normal.
ClinVar note: "not provided" was previously submitted as the classification for the variant. However, the classification appeared to be based only on an observation of functional data so it was converted to no classification on 2025-07-30.

NM_007294.4(BRCA1):c.5301T>C (p.Cys1767=)

Gene: BRCA1 (BRCA1 DNA repair associated; minus strand). Cytogenetic location: 17q21.31.
Variant type: single nucleotide variant.
Coding change: c.5301T>C on transcript NM_007294.4 (MANE Select); coding-DNA position 5301, T replaced by C.
Protein change: p.Cys1767=; no amino-acid change (cysteine 1767 retained).
Molecular consequence: synonymous variant. On other transcripts: intron variant (2).
Genome position (GRCh38, 1-based): chr17:43,051,094, A>G on the plus strand (T>C on the coding strand, the complement: BRCA1 is on the minus strand). VCF-style: chr17-43051094-A-G. GRCh37 (hg19) VCF-style: chr17-41203111-A-G.
Other names: c.5088T>C, p.Cys1696= (NM_001407571.1, NM_001407894.1, NM_001407895.1 and 12 more transcripts); c.5367T>C, p.Cys1789= (NM_001407581.1, NM_001407582.1); c.5364T>C, p.Cys1788= (NM_001407583.1, NM_001407585.1, NM_001407587.1 and 1 more transcripts); c.5361T>C, p.Cys1787= (NM_001407590.1, NM_001407591.1); c.5301T>C, p.Cys1767= (NM_001407593.1, NM_001407594.1, NM_001407596.1 and 6 more transcripts); c.5298T>C, p.Cys1766= (NM_001407610.1, NM_001407611.1, NM_001407612.1 and 17 more transcripts); c.5295T>C, p.Cys1765= (NM_001407627.1, NM_001407628.1, NM_001407629.1 and 14 more transcripts); c.1869T>C, p.Cys623= (NM_001408426.1, NM_001408427.1, NM_001408428.1 and 4 more transcripts); and 74 more.
Identifiers: ClinVar variation 868293 (VCV000868293.3), dbSNP rs886040288, ClinGen allele CA500143591.